The following is an entry in ClinVar:

ClinVar aggregate classification (germline): Uncertain significance. Review status: criteria provided, multiple submitters, no conflicts (2 of 4 stars). 2 submissions from 2 submitters: Uncertain significance (2). Last evaluated 2022-10-17.

Allele frequency attached by ClinVar (database versions not stated): gnomAD exomes below 0.00001.
gnomAD v4.1: 3 of 1,614,182 alleles (0.00019%); highest among the groups gnomAD compares: Non-Finnish European, 0.00025%; no homozygotes.

Submissions (2):

Labcorp Genetics (formerly Invitae), Labcorp
Classification: Uncertain significance. Last evaluated: 2022-10-17. Review status: criteria provided, single submitter. Criteria: Invitae Variant Classification Sherloc (09022015). Collection method: clinical testing. Allele origin: germline.
Comment: ClinVar contains an entry for this variant (Variation ID: 844252). In summary, the available evidence is currently insufficient to determine the role of this variant in disease. Therefore, it has been classified as a Variant of Uncertain Significance. Advanced modeling of protein sequence and biophysical properties (such as structural, functional, and spatial information, amino acid conservation, physicochemical variation, residue mobility, and thermodynamic stability) performed at Invitae indicates that this missense variant is not expected to disrupt CDHR1 protein function. This variant has not been reported in the literature in individuals affected with CDHR1-related conditions. This variant is not present in population databases (gnomAD no frequency). This sequence change replaces asparagine, which is neutral and polar, with lysine, which is basic and polar, at codon 727 of the CDHR1 protein (p.Asn727Lys).

Blueprint Genetics
Classification: Uncertain significance. Last evaluated: 2020-08-18. Review status: criteria provided, single submitter. Criteria: ACMG Guidelines, 2015. Collection method: clinical testing. Allele origin: germline.

NM_033100.4(CDHR1):c.2181C>G (p.Asn727Lys)

Gene: CDHR1 (cadherin related family member 1; plus strand). Cytogenetic location: 10q23.1.
Variant type: single nucleotide variant.
Coding change: c.2181C>G on transcript NM_033100.4 (MANE Select); coding-DNA position 2181, C replaced by G.
Protein change: p.Asn727Lys; replaces asparagine 727 with lysine.
Molecular consequence: missense variant. On other transcripts: intron variant (1).
Genome position (GRCh38, 1-based): chr10:84,214,222, C>G. VCF-style: chr10-84214222-C-G. GRCh37 (hg19) VCF-style: chr10-85973978-C-G.
Other names: c.2040+874C>G (NM_001171971.3); short protein forms N727K.
Identifiers: ClinVar variation 844252 (VCV000844252.10), dbSNP rs1842387770, ClinGen allele CA377379438.
Genomic context (GRCh38, chr10:84,214,222, plus strand): 5'-CACCATGGCCACCGTCGTGGCCATCACTGTCCTCATCTCCACCGCCACCTTCTGGCGCAA[C>G]AAGAAGTCTAACAAGGTCCTGCCAATGCGGCGGGTGCTCCGCAAGCGGCCCAGCCCTGCG-3'
Protein context (NP_149091.1, residues 717-737): VLISTATFWR[Asn727Lys]KKSNKVLPMR